The following is an entry in ClinVar:

NM_001242957.3(MAK):c.1478A>G (p.Lys493Arg)

Gene: MAK (male germ cell associated kinase; minus strand). Cytogenetic location: 6p24.2.
Variant type: single nucleotide variant.
Coding change: c.1478A>G on transcript NM_001242957.3 (MANE Select); coding-DNA position 1478, A replaced by G.
Protein change: p.Lys493Arg; replaces lysine 493 with arginine.
Molecular consequence: missense variant. On other transcripts: non-coding transcript variant (2).
Genome position (GRCh38, 1-based): chr6:10,775,447, T>C on the plus strand (A>G on the coding strand, the complement: MAK is on the minus strand). VCF-style: chr6-10775447-T-C. GRCh37 (hg19) VCF-style: chr6-10775680-T-C.
Other names: c.1478A>G, p.Lys493Arg (NM_001242385.2, NM_005906.6); c.1376A>G, p.Lys459Arg (NM_001377262.1); short protein forms K459R, K493R.
Identifiers: ClinVar variation 1010817 (VCV001010817.7), dbSNP rs1436545305, ClinGen allele CA362716011.

ClinVar aggregate classification (germline): Uncertain significance (1 of 4 stars; one submission).

Allele frequency attached by ClinVar (database versions not stated): gnomAD exomes below 0.00001; gnomAD 0.00001.

Submission:

Labcorp Genetics (formerly Invitae), Labcorp
Classification: Uncertain significance. Last evaluated: 2022-11-22. Review status: criteria provided, single submitter. Criteria: Invitae Variant Classification Sherloc (09022015). Collection method: clinical testing. Allele origin: germline.
Comment: Advanced modeling of protein sequence and biophysical properties (such as structural, functional, and spatial information, amino acid conservation, physicochemical variation, residue mobility, and thermodynamic stability) performed at Invitae indicates that this missense variant is not expected to disrupt MAK protein function. In summary, the available evidence is currently insufficient to determine the role of this variant in disease. Therefore, it has been classified as a Variant of Uncertain Significance. ClinVar contains an entry for this variant (Variation ID: 1010817). This variant has not been reported in the literature in individuals affected with MAK-related conditions. This variant is present in population databases (no rsID available, gnomAD 0.01%). This sequence change replaces lysine, which is basic and polar, with arginine, which is basic and polar, at codon 493 of the MAK protein (p.Lys493Arg).